The following is an entry in ClinVar:

NM_000660.7(TGFB1):c.763C>T (p.Arg255Trp)

Gene: TGFB1 (transforming growth factor beta 1; minus strand). Cytogenetic location: 19q13.2.
Variant type: single nucleotide variant.
Coding change: c.763C>T on transcript NM_000660.7 (MANE Select); coding-DNA position 763, C replaced by T.
Protein change: p.Arg255Trp; replaces arginine 255 with tryptophan.
Molecular consequence: missense variant.
Genome position (GRCh38, 1-based): chr19:41,341,980, G>A on the plus strand (C>T on the coding strand, the complement: TGFB1 is on the minus strand). VCF-style: chr19-41341980-G-A. GRCh37 (hg19) VCF-style: chr19-41847885-G-A.
Other names: short protein forms R255W.
Identifiers: ClinVar variation 3007487 (VCV003007487.3), dbSNP rs753735387, ClinGen allele CA9459995.

ClinVar aggregate classification (germline): Uncertain significance (1 of 4 stars; one submission).

Allele frequency attached by ClinVar (database versions not stated): ExAC 0.00001.
gnomAD v4.1: 17 of 1,614,194 alleles (0.0011%); highest among the groups gnomAD compares: East Asian, 0.0022%; no homozygotes.

Submission:

Labcorp Genetics (formerly Invitae), Labcorp
Classification: Uncertain significance. Last evaluated: 2025-04-09. Review status: criteria provided, single submitter. Criteria: Invitae Variant Classification Sherloc (09022015). Collection method: clinical testing. Allele origin: germline.
Comment: This sequence change replaces arginine, which is basic and polar, with tryptophan, which is neutral and slightly polar, at codon 255 of the TGFB1 protein (p.Arg255Trp). This variant is present in population databases (rs753735387, gnomAD 0.006%). This variant has not been reported in the literature in individuals affected with TGFB1-related conditions. ClinVar contains an entry for this variant (Variation ID: 3007487). Invitae Evidence Modeling of protein sequence and biophysical properties (such as structural, functional, and spatial information, amino acid conservation, physicochemical variation, residue mobility, and thermodynamic stability) indicates that this missense variant is not expected to disrupt TGFB1 protein function with a negative predictive value of 80%. In summary, the available evidence is currently insufficient to determine the role of this variant in disease. Therefore, it has been classified as a Variant of Uncertain Significance.